The following is an entry in ClinVar:

ClinVar aggregate classification (germline): Uncertain significance. Review status: criteria provided, multiple submitters, no conflicts (2 of 4 stars). 2 submissions from 2 submitters: Uncertain significance (2). Last evaluated 2025-04-18.

Conditions:
Hereditary pancreatitis (PCTT). Also called: Hereditary chronic pancreatitis; PRSS1-Related Hereditary Pancreatitis. Identifiers: Orphanet 676, MedGen C0238339, MONDO:0008185, OMIM 167800.

Allele frequency attached by ClinVar (database versions not stated): gnomAD exomes below 0.00001.

Submissions (2):

Ambry Genetics
Classification: Uncertain significance for Hereditary pancreatitis. Last evaluated: 2025-04-18. Review status: criteria provided, single submitter. Criteria: Ambry Variant Classification Scheme 2023. Collection method: clinical testing. Allele origin: germline.
Comment: The p.M313T variant (also known as c.938T>C), located in coding exon 8 of the CPA1 gene, results from a T to C substitution at nucleotide position 938. The methionine at codon 313 is replaced by threonine, an amino acid with similar properties. This amino acid position is conserved. In addition, this alteration is predicted to be tolerated by in silico analysis. Since supporting evidence is limited at this time, the clinical significance of this alteration remains unclear.

Labcorp Genetics (formerly Invitae), Labcorp
Classification: Uncertain significance. Last evaluated: 2021-02-12. Review status: criteria provided, single submitter. Criteria: Invitae Variant Classification Sherloc (09022015). Collection method: clinical testing. Allele origin: germline.
Comment: This sequence change replaces methionine with threonine at codon 313 of the CPA1 protein (p.Met313Thr). The methionine residue is weakly conserved and there is a moderate physicochemical difference between methionine and threonine. This variant is not present in population databases (ExAC no frequency). This variant has not been reported in the literature in individuals with CPA1-related conditions. Algorithms developed to predict the effect of missense changes on protein structure and function (SIFT, PolyPhen-2, Align-GVGD) all suggest that this variant is likely to be disruptive, but these predictions have not been confirmed by published functional studies and their clinical significance is uncertain. In summary, the available evidence is currently insufficient to determine the role of this variant in disease. Therefore, it has been classified as a Variant of Uncertain Significance.

NM_001868.4(CPA1):c.938T>C (p.Met313Thr)

Gene: CPA1 (carboxypeptidase A1; plus strand). Cytogenetic location: 7q32.2.
Variant type: single nucleotide variant.
Coding change: c.938T>C on transcript NM_001868.4 (MANE Select); coding-DNA position 938, T replaced by C.
Protein change: p.Met313Thr; replaces methionine 313 with threonine.
Molecular consequence: missense variant.
Genome position (GRCh38, 1-based): chr7:130,385,296, T>C. VCF-style: chr7-130385296-T-C. GRCh37 (hg19) VCF-style: chr7-130025137-T-C.
Other names: short protein forms M313T.
Identifiers: ClinVar variation 1364751 (VCV001364751.11), dbSNP rs2117506089, ClinGen allele CA369283820.